The following is an entry in ClinVar:

ClinVar aggregate classification (germline): Uncertain significance (1 of 4 stars; one submission).

Conditions:
Holoprosencephaly 3 (HPE3). Identifiers: Orphanet 2162, MedGen C1840529, MONDO:0007733, OMIM 142945.

Allele frequency attached by ClinVar (database versions not stated): gnomAD 0.00001; TOPMed 0.00002.
gnomAD v4.1: 3 of 152,244 alleles (0.002%); highest among the groups gnomAD compares: Admixed American, 0.0065%; no homozygotes.

Submission:

Labcorp Genetics (formerly Invitae), Labcorp
Classification: Uncertain significance for Holoprosencephaly 3. Last evaluated: 2022-06-28. Review status: criteria provided, single submitter. Criteria: Invitae Variant Classification Sherloc (09022015). Collection method: clinical testing. Allele origin: germline.
Comment: In summary, the available evidence is currently insufficient to determine the role of this variant in disease. Therefore, it has been classified as a Variant of Uncertain Significance. Experimental studies and prediction algorithms are not available or were not evaluated, and the functional significance of this variant is currently unknown. This variant has not been reported in the literature in individuals affected with SHH-related conditions. This variant is not present in population databases (gnomAD no frequency). This variant occurs in a non-coding region of the SHH gene. It does not change the encoded amino acid sequence of the SHH protein.

NC_000007.14:g.156764050A>C

Genes: LMBR1 (limb development membrane protein 1; minus strand), SHH (sonic hedgehog signaling molecule; minus strand). Cytogenetic location: 7q36.3.
Variant type: single nucleotide variant.
Molecular consequence: intron variant (on NM_022458.4).
Genome position: GRCh38 VCF-style: chr7-156764050-A-C. GRCh37 (hg19) VCF-style: chr7-156556744-A-C.
Other names: c.361-255T>G (NM_001363412.2); c.145-255T>G (NM_001350954.2); c.424-255T>G (NM_001363410.2, NM_022458.4, NM_001363409.2 and 1 more transcripts); c.-33-255T>G (NM_001350958.2, NM_001350956.2, NM_001350955.2 and 1 more transcripts); c.55-255T>G (NM_001350957.2, NM_001363411.2).
Identifiers: ClinVar variation 2871369 (VCV002871369.3), dbSNP rs1823635737, ClinGen allele CA1109180835.